The following is an entry in ClinVar:

ClinVar aggregate classification (germline): Uncertain significance (1 of 4 stars; one submission).

Submission:

GeneDx
Classification: Uncertain significance. Last evaluated: 2023-05-31. Review status: criteria provided, single submitter. Criteria: GeneDx Variant Classification Process June 2021. Collection method: clinical testing. Allele origin: germline. Affected: yes.
Comment: Not observed at significant frequency in large population cohorts (gnomAD); In silico analysis supports that this missense variant has a deleterious effect on protein structure/function; Has not been previously published as pathogenic or benign to our knowledge; Variants in candidate genes are classified as variants of uncertain significance in accordance with ACMG guidelines (Richards et al., 2015)

NM_032242.4(PLXNA1):c.3191C>G (p.Thr1064Ser)

Gene: PLXNA1 (plexin A1; plus strand). Cytogenetic location: 3q21.3.
Variant type: single nucleotide variant.
Coding change: c.3191C>G on transcript NM_032242.4 (MANE Select); coding-DNA position 3191, C replaced by G.
Protein change: p.Thr1064Ser; replaces threonine 1064 with serine.
Molecular consequence: missense variant.
Genome position (GRCh38, 1-based): chr3:127,016,952, C>G. VCF-style: chr3-127016952-C-G. GRCh37 (hg19) VCF-style: chr3-126735795-C-G.
Other names: short protein forms T1064S.
Identifiers: ClinVar variation 4686778 (VCV004686778.1).
Genomic context (GRCh38, chr3:127,016,952, plus strand): 5'-TCACTGGGCCCCAGCATCATTTGGTGACCCCCCCACCCCTGTCCTGTTCCAGCGGTGGGA[C>G]CCTCCTGACGGTCACAGGCACCAACCTGGCCACTGTCCGTGAACCCCGAATCCGGGCCAA-3'
Protein context (NP_115618.3, residues 1054-1074): DPEWSINSGG[Thr1064Ser]LLTVTGTNLA